The following is an entry in ClinVar:

ClinVar aggregate classification (germline): Pathogenic (1 of 4 stars; one submission).

Conditions:
Baller-Gerold syndrome (BGS). Also called: CRANIOSYNOSTOSIS WITH RADIAL DEFECTS. Identifiers: Orphanet 1225, MedGen C0265308, MONDO:0009039, OMIM 218600.

Submission:

Labcorp Genetics (formerly Invitae), Labcorp
Classification: Pathogenic for Baller-Gerold syndrome. Last evaluated: 2022-09-26. Review status: criteria provided, single submitter. Criteria: Invitae Variant Classification Sherloc (09022015). Collection method: clinical testing. Allele origin: germline.
Comment: This variant is not present in population databases (gnomAD no frequency). This sequence change creates a premature translational stop signal (p.Tyr744*) in the RECQL4 gene. It is expected to result in an absent or disrupted protein product. Loss-of-function variants in RECQL4 are known to be pathogenic (PMID: 12734318, 12952869). This variant has not been reported in the literature in individuals affected with RECQL4-related conditions. For these reasons, this variant has been classified as Pathogenic. Algorithms developed to predict the effect of sequence changes on RNA splicing suggest that this variant may disrupt the consensus splice site.

Literature cited by the submitters: PubMed 12734318; PubMed 12952869.

NM_004260.4(RECQL4):c.2232C>G (p.Tyr744Ter)

Gene: RECQL4 (RecQ like helicase 4; minus strand). Cytogenetic location: 8q24.3.
Variant type: single nucleotide variant.
Coding change: c.2232C>G on transcript NM_004260.4 (MANE Select); coding-DNA position 2232, C replaced by G.
Protein change: p.Tyr744Ter; replaces tyrosine 744 with a stop codon.
Molecular consequence: nonsense.
Genome position (GRCh38, 1-based): chr8:144,513,449, G>C on the plus strand (C>G on the coding strand, the complement: RECQL4 is on the minus strand). VCF-style: chr8-144513449-G-C. GRCh37 (hg19) VCF-style: chr8-145738833-G-C.
Other names: c.2136C>G, p.Tyr712Ter (NM_001413017.1, NM_001413020.1); c.2232C>G, p.Tyr744Ter (NM_001413018.1, NM_001413019.1, NM_001413036.1); c.1161C>G, p.Tyr387Ter (NM_001413021.1, NM_001413022.1, NM_001413023.1 and 6 more transcripts); c.2103C>G, p.Tyr701Ter (NM_001413025.1); c.1095C>G, p.Tyr365Ter (NM_001413027.1, NM_001413030.1, NM_001413032.1 and 1 more transcripts); c.1881C>G, p.Tyr627Ter (NM_001413029.1); c.963C>G, p.Tyr321Ter (NM_001413031.1); c.2100C>G, p.Tyr700Ter (NM_001413033.1); and 4 more; short protein forms Y365*, Y387*, Y744*, Y712*, Y734*, Y255*, Y343*, Y377*.
Identifiers: ClinVar variation 2032635 (VCV002032635.4), dbSNP rs2130680464, ClinGen allele CA372678516.
Genomic context (GRCh38, chr8:144,513,449, plus strand): 5'-CTGGCCCTGCATGAAGGCTCGCTGTACCCGCCGCCGTTCCCGGCTGCACATGCCCGCGTG[G>C]TAGGCCTCGGCTGTGGTTTTGGGGGCACGACCTTTGGGGAAGACAGGCAGATGGTCAGTG-3'